The following is an entry in ClinVar:

NM_005121.3(MED13):c.6472A>T (p.Ile2158Phe)

Gene: MED13 (mediator complex subunit 13; minus strand). Cytogenetic location: 17q23.2.
Variant type: single nucleotide variant.
Coding change: c.6472A>T on transcript NM_005121.3 (MANE Select); coding-DNA position 6472, A replaced by T.
Protein change: p.Ile2158Phe; replaces isoleucine 2158 with phenylalanine.
Molecular consequence: missense variant.
Genome position (GRCh38, 1-based): chr17:61,946,521, T>A on the plus strand (A>T on the coding strand, the complement: MED13 is on the minus strand). VCF-style: chr17-61946521-T-A. GRCh37 (hg19) VCF-style: chr17-60023882-T-A.
Other names: short protein forms I2158F.
Identifiers: ClinVar variation 5002894 (VCV005002894.1).

ClinVar aggregate classification (germline): Uncertain significance (1 of 4 stars; one submission).

Conditions:
Intellectual developmental disorder 61. Also called: INTELLECTUAL DEVELOPMENTAL DISORDER, AUTOSOMAL DOMINANT 61; MENTAL RETARDATION, AUTOSOMAL DOMINANT 61. Identifiers: MedGen C5231400, MONDO:0032485, OMIM 618009.

Submission:

OLLIN Analises Genomicas, OLLIN
Classification: Uncertain significance for Intellectual developmental disorder 61. Last evaluated: 2026-08-06. Review status: criteria provided, single submitter. Criteria: ACMG Guidelines 2015 PMID 25741868. Collection method: clinical testing. Allele origin: germline. Inheritance: Autosomal dominant inheritance.
Comment: This missense variant, located in exon 30 (of 30), is absent from gnomAD and ClinVar and has not been identified in the literature. In silico analysis is inconclusive regarding the impact of this variant. According to the currently available evidence, this variant has been classified as uncertain significance (PM2_P).